The following is an entry in ClinVar:

ClinVar aggregate classification (germline): Pathogenic/Likely pathogenic. Review status: criteria provided, multiple submitters, no conflicts (2 of 4 stars). 6 submissions from 6 submitters: Pathogenic (3); Likely pathogenic (3). Last evaluated 2025-11-05.

Conditions:
Hereditary breast ovarian cancer syndrome. Also called: Hereditary breast and ovarian cancer syndrome; BRCA1- and BRCA2-Associated Hereditary Breast and Ovarian Cancer; Breast and ovarian cancer; Hereditary breast and/or ovarian cancer syndrome; Hereditary breast and ovarian cancer; Hereditary breast and ovarian cancer syndrome (HBOC). Identifiers: Orphanet 145, MedGen C0677776, MeSH D061325, MONDO:0003582. Disease mechanism: loss of function.
Familial cancer of breast. Also called: BREAST CANCER, FAMILIAL; hereditary breast carcinoma; Hereditary breast cancer. Identifiers: Orphanet 227535, MedGen C0346153, MONDO:0016419, OMIM 114480. Disease mechanism: loss of function.
Hereditary cancer-predisposing syndrome. Also called: Neoplastic Syndromes, Hereditary; Tumor predisposition; Hereditary Cancer Syndrome; Hereditary neoplastic syndrome. Identifiers: Orphanet 140162, MedGen C0027672, MeSH D009386, MONDO:0015356.

Submissions (6):

Labcorp Genetics (formerly Invitae), Labcorp
Classification: Pathogenic for Familial cancer of breast. Last evaluated: 2025-11-05. Review status: criteria provided, single submitter. Criteria: Invitae Variant Classification Sherloc (09022015). Collection method: clinical testing. Allele origin: germline.
Comment: This sequence change creates a premature translational stop signal (p.Ser5Leufs*54) in the CHEK2 gene. It is expected to result in an absent or disrupted protein product. Loss-of-function variants in CHEK2 are known to be pathogenic (PMID: 21876083, 24713400). This variant is present in population databases (rs757016287, gnomAD 0.0009%). This variant has not been reported in the literature in individuals affected with CHEK2-related conditions. ClinVar contains an entry for this variant (Variation ID: 233394). For these reasons, this variant has been classified as Pathogenic.

Myriad Genetics, Inc.
Classification: Pathogenic for Familial cancer of breast. Last evaluated: 2023-06-22. Review status: criteria provided, single submitter. Criteria: Myriad Autosomal Dominant, Autosomal Recessive and X-Linked Classification Criteria (2023). Collection method: clinical testing. Allele origin: unknown.
Comment: This variant is considered pathogenic. This variant creates a frameshift predicted to result in premature protein truncation.

Ambry Genetics
Classification: Pathogenic for Hereditary cancer-predisposing syndrome. Last evaluated: 2023-03-08. Review status: criteria provided, single submitter. Criteria: Ambry Variant Classification Scheme 2023. Collection method: clinical testing. Allele origin: germline.
Comment: The c.14_20delCGGATGT pathogenic mutation, located in coding exon 1 of the CHEK2 gene, results from a deletion of 7 nucleotides at nucleotide positions 14 to 20, causing a translational frameshift with a predicted alternate stop codon (p.S5Lfs*54). This alteration is expected to result in loss of function by premature protein truncation or nonsense-mediated mRNA decay. As such, this alteration is interpreted as a disease-causing mutation.

Baylor Genetics
Classification: Likely pathogenic for Familial cancer of breast. Last evaluated: 2021-10-19. Review status: criteria provided, single submitter. Criteria: ACMG Guidelines, 2015. Collection method: clinical testing. Allele origin: unknown.

Women's Health and Genetics/Laboratory Corporation of America, LabCorp
Classification: Likely pathogenic for Hereditary breast and ovarian cancer syndrome. Last evaluated: 2020-05-07. Review status: criteria provided, single submitter. Criteria: LabCorp Variant Classification Summary - May 2015. Collection method: clinical testing. Allele origin: germline.
Comment: Variant summary: CHEK2 c.14_20delCGGATGT (p.Ser5LeufsX54) results in a premature termination codon, predicted to cause a truncation of the encoded protein or absence of the protein due to nonsense mediated decay, which are commonly known mechanisms for disease. Truncations downstream of this position have been classified as pathogenic by our laboratory. The variant allele was found at a frequency of 4.1e-06 in 245902 control chromosomes. To our knowledge, no occurrence of c.14_20delCGGATGT in individuals affected with Hereditary Breast And Ovarian Cancer Syndrome and no experimental evidence demonstrating its impact on protein function have been reported. One clinical diagnostic laboratory has submitted clinical-significance assessments for this variant to ClinVar after 2014 without evidence for independent evaluation and cited the variant as pathogenic. Based on the evidence outlined above, the variant was classified as likely pathogenic.

GeneDx
Classification: Likely pathogenic. Last evaluated: 2019-05-20. Review status: criteria provided, single submitter. Criteria: GeneDx Variant Classification Process June 2021. Collection method: clinical testing. Allele origin: germline. Affected: yes.
Comment: Frameshift variant predicted to result in protein truncation or nonsense mediated decay in a gene for which loss-of-function is a known mechanism of disease; Not observed at a significant frequency in large population cohorts (Lek et al., 2016)

Literature cited by the submitters: PubMed 21876083 (cited by Labcorp Genetics (formerly Invitae), Labcorp); PubMed 24713400 (cited by Labcorp Genetics (formerly Invitae), Labcorp); PubMed 29922827 (cited by Women's Health and Genetics/Laboratory Corporation of America, LabCorp).

NM_007194.4(CHEK2):c.14_20del (p.Ser5fs)

Gene: CHEK2 (checkpoint kinase 2; minus strand). Cytogenetic location: 22q12.1.
Variant type: Deletion.
Coding change: c.14_20del on transcript NM_007194.4 (MANE Select); coding-DNA positions 14 to 20, 7 bases deleted (CGGATGT; older notation c.14_20delCGGATGT).
Protein change: p.Ser5fs; shifts the reading frame from serine 5.
Molecular consequence: frameshift variant.
Genome position (GRCh38, 1-based): chr22:28,734,702-28,734,708, ACATCCG deleted on the plus strand (CGGATGT on the coding strand, the reverse complement: CHEK2 is on the minus strand); deleting any 7 consecutive bases within chr22:28,734,702-28,734,710 gives the same sequence; the c. name uses the placement nearest the transcript's 3' end. VCF-style (leftmost placement, unchanged base first): chr22-28734701-AACATCCG-A. GRCh37 (hg19) VCF-style: chr22-29130689-AACATCCG-A.
Other names: c.12_18delGTCGGAT, p.Ser5Leufs (NM_001005735.3, NM_001349956.3, NM_145862.3); c.-766_-760delGTCGGAT (NM_001257387.3); short protein forms S5fs.
Identifiers: ClinVar variation 233394 (VCV000233394.18), dbSNP rs757016287, ClinGen allele CA10168085.